The following is an entry in ClinVar:

NM_001080414.4(CCDC88C):c.6035C>T (p.Pro2012Leu)

Gene: CCDC88C (coiled-coil domain containing 88C; minus strand). Cytogenetic location: 14q32.11.
Variant type: single nucleotide variant.
Coding change: c.6035C>T on transcript NM_001080414.4 (MANE Select); coding-DNA position 6035, C replaced by T.
Protein change: p.Pro2012Leu; replaces proline 2012 with leucine.
Molecular consequence: missense variant.
Genome position (GRCh38, 1-based): chr14:91,272,677, G>A on the plus strand (C>T on the coding strand, the complement: CCDC88C is on the minus strand). VCF-style: chr14-91272677-G-A. GRCh37 (hg19) VCF-style: chr14-91739021-G-A.
Other names: p.Pro2012Leu; c.6035C>T (NM_001080414.3); short protein forms P2012L.
Identifiers: ClinVar variation 1342715 (VCV001342715.5), dbSNP rs771028975, ClinGen allele CA7308522.

ClinVar aggregate classification (germline): Uncertain significance. Review status: criteria provided, multiple submitters, no conflicts (2 of 4 stars). 3 submissions from 3 submitters: Uncertain significance (2). 1 of the submissions does not count toward it. Last evaluated 2025-03-25.

Conditions:
CCDC88C-related disorder. Also called: CCDC88C-Related Disorders; CCDC88C-related condition.
Inborn genetic diseases. Identifiers: MedGen C0950123, MeSH D030342.
Spinocerebellar ataxia type 40. Identifiers: Orphanet 423275, MedGen C4518336, MONDO:0014475, OMIM 616053.

gnomAD v4.1: 28 of 1,611,428 alleles (0.0017%); highest among the groups gnomAD compares: Middle Eastern, 0.017%; no homozygotes.

Submissions (3):

Ambry Genetics
Classification: Uncertain significance for Inborn genetic diseases. Last evaluated: 2025-03-25. Review status: criteria provided, single submitter. Criteria: Ambry Variant Classification Scheme 2023. Collection method: clinical testing. Allele origin: germline.

Foundation for Research in Genetics and Endocrinology, FRIGE's Institute of Human Genetics
Classification: Uncertain significance for Spinocerebellar ataxia type 40. Last evaluated: 2021-09-08. Review status: criteria provided, single submitter. Criteria: ACMG Guidelines, 2015. Collection method: clinical testing. Allele origin: germline. Inheritance: Autosomal dominant inheritance. Affected: yes. Observed: 1 heterozygote.
Comment: A heterozygous missense variation in exon 30 of the CCDC88C gene that results in the amino acid substitution of leucine for proline at codon 2012 was detected. The observed variant c.6035C>T (p.Pro2012Leu) has not been reported in the 1000 genomes and has a minor allele frequency of 0.003% in the gnomAD database. The in silico prediction of the variant are possibly damaging by PolyPhen-2 (HumDiv) and damaging by SIFT and MutationTaster2. The reference codon is conserved across species. In summary, the variant meets our criteria to be classified as a variant of uncertain significance.

PreventionGenetics, part of Exact Sciences
Classification: Uncertain significance for CCDC88C-related condition. Last evaluated: 2024-09-26. Review status: no assertion criteria provided. Collection method: clinical testing. Allele origin: germline. Not counted in ClinVar's aggregate classification.
Comment: The CCDC88C c.6035C>T variant is predicted to result in the amino acid substitution p.Pro2012Leu. To our knowledge, this variant has not been reported in the literature. This variant is reported in 0.030% of alleles in individuals of Ashkenazi Jewish descent in gnomAD. At this time, the clinical significance of this variant is uncertain due to the absence of conclusive functional and genetic evidence.